The following is an entry in ClinVar:

ClinVar aggregate classification (germline): Likely pathogenic (1 of 4 stars; one submission).

Submission:

Labcorp Genetics (formerly Invitae), Labcorp
Classification: Likely pathogenic. Last evaluated: 2021-12-25. Review status: criteria provided, single submitter. Criteria: Invitae Variant Classification Sherloc (09022015). Collection method: clinical testing. Allele origin: germline.
Comment: This sequence change replaces valine, which is neutral and non-polar, with phenylalanine, which is neutral and non-polar, at codon 268 of the TGM1 protein (p.Val268Phe). In summary, the currently available evidence indicates that the variant is pathogenic, but additional data are needed to prove that conclusively. Therefore, this variant has been classified as Likely Pathogenic. Advanced modeling of protein sequence and biophysical properties (such as structural, functional, and spatial information, amino acid conservation, physicochemical variation, residue mobility, and thermodynamic stability) performed at Invitae indicates that this missense variant is expected to disrupt TGM1 protein function. This missense change has been observed in individual(s) with clinical features of lamellar ichthyosis (Invitae). In at least one individual the data is consistent with being in trans (on the opposite chromosome) from a pathogenic variant. This variant is not present in population databases (gnomAD no frequency).

NM_000359.3(TGM1):c.802G>T (p.Val268Phe)

Gene: TGM1 (transglutaminase 1; minus strand). Cytogenetic location: 14q12.
Variant type: single nucleotide variant.
Coding change: c.802G>T on transcript NM_000359.3 (MANE Select); coding-DNA position 802, G replaced by T.
Protein change: p.Val268Phe; replaces valine 268 with phenylalanine.
Molecular consequence: missense variant.
Genome position (GRCh38, 1-based): chr14:24,260,014, C>A on the plus strand (G>T on the coding strand, the complement: TGM1 is on the minus strand). VCF-style: chr14-24260014-C-A. GRCh37 (hg19) VCF-style: chr14-24729220-C-A.
Other names: short protein forms V268F.
Identifiers: ClinVar variation 2059984 (VCV002059984.4), dbSNP rs2040794617, ClinGen allele CA389270309.